The following is an entry in ClinVar:

ClinVar aggregate classification (germline): Uncertain significance (1 of 4 stars; one submission).

Conditions:
Autosomal dominant childhood-onset proximal spinal muscular atrophy with contractures (SMALED2A). Also called: SPINAL MUSCULAR ATROPHY, LOWER EXTREMITY-PREDOMINANT, 2A, CHILDHOOD ONSET, AUTOSOMAL DOMINANT; Spinal muscular atrophy, lower extremity-predominant, 2A, autosomal dominant. Identifiers: Orphanet 363447, Orphanet 363454, MedGen C4747715, MONDO:0014121, OMIM 615290.

Allele frequency attached by ClinVar (database versions not stated): gnomAD 0.00001; ExAC 0.00002; gnomAD exomes 0.00002.

Submission:

Labcorp Genetics (formerly Invitae), Labcorp
Classification: Uncertain significance for Autosomal dominant childhood-onset proximal spinal muscular atrophy with contractures. Last evaluated: 2023-06-27. Review status: criteria provided, single submitter. Criteria: Invitae Variant Classification Sherloc (09022015). Collection method: clinical testing. Allele origin: germline.
Comment: This sequence change replaces glutamic acid, which is acidic and polar, with glycine, which is neutral and non-polar, at codon 674 of the BICD2 protein (p.Glu674Gly). This variant is present in population databases (rs760998712, gnomAD 0.03%). This variant has not been reported in the literature in individuals affected with BICD2-related conditions. Advanced modeling of protein sequence and biophysical properties (such as structural, functional, and spatial information, amino acid conservation, physicochemical variation, residue mobility, and thermodynamic stability) performed at Invitae indicates that this missense variant is not expected to disrupt BICD2 protein function. In summary, the available evidence is currently insufficient to determine the role of this variant in disease. Therefore, it has been classified as a Variant of Uncertain Significance.

NM_001003800.2(BICD2):c.2021A>G (p.Glu674Gly)

Gene: BICD2 (BICD cargo adaptor 2; minus strand). Cytogenetic location: 9q22.31.
Variant type: single nucleotide variant.
Coding change: c.2021A>G on transcript NM_001003800.2 (MANE Select); coding-DNA position 2021, A replaced by G.
Protein change: p.Glu674Gly; replaces glutamic acid 674 with glycine.
Molecular consequence: missense variant.
Genome position (GRCh38, 1-based): chr9:92,718,624, T>C on the plus strand (A>G on the coding strand, the complement: BICD2 is on the minus strand). VCF-style: chr9-92718624-T-C. GRCh37 (hg19) VCF-style: chr9-95480906-T-C.
Other names: c.2021A>G, p.Glu674Gly (NM_015250.4); short protein forms E674G.
Identifiers: ClinVar variation 2915543 (VCV002915543.3), dbSNP rs760998712, ClinGen allele CA5126426.